The following is an entry in ClinVar:

ClinVar aggregate classification (germline): Pathogenic (0 of 4 stars; one submission).

Conditions:
GARS-associated growth retardation and developmental delay.

Submission:

Antonellis Laboratory at Michigan, University of Michigan
Classification: Pathogenic for GARS-associated growth retardation and developmental delay. Review status: no assertion criteria provided. Collection method: clinical testing, research. Allele origin: germline, not applicable. Inheritance: Autosomal recessive inheritance. Affected: yes. Observed: 1 variant allele, 1 compound heterozygote. Study: Undiagnosed Diseases Program.
Comment: This variant is associated with a recessive, multi-system disorder described in PMID: 28675565.

Literature cited by the submitters: PubMed 28675565.

NM_002047.4(GARS1):c.246_249del (p.Glu83fs)

Gene: GARS1 (glycyl-tRNA synthetase 1; plus strand). Cytogenetic location: 7p14.3.
Variant type: Deletion.
Coding change: c.246_249del on transcript NM_002047.4 (MANE Select); coding-DNA positions 246 to 249, 4 bases deleted (AGAA; older notation c.246_249delAGAA).
Protein change: p.Glu83fs; shifts the reading frame from glutamic acid 83.
Molecular consequence: frameshift variant.
Genome position (GRCh38, 1-based): chr7:30,598,819-30,598,822, AGAA deleted; deleting any 4 consecutive bases within chr7:30,598,817-30,598,822 gives the same sequence; the c. name uses the placement nearest the transcript's 3' end. VCF-style (leftmost placement, unchanged base first): chr7-30598816-CAAAG-C. GRCh37 (hg19) VCF-style: chr7-30638432-CAAAG-C.
Other names: c.84_87del, p.Glu29fs (NM_001316772.1); short protein forms E29fs, E83fs.
Identifiers: ClinVar variation 431180 (VCV000431180.3), dbSNP rs1135401747, ClinGen allele CA645372441.